The following is an entry in ClinVar:

ClinVar aggregate classification (germline): Uncertain significance (1 of 4 stars; one submission).

Conditions:
Familial hemophagocytic lymphohistiocytosis 3 (FHL3). Also called: UNC13D-Related Familial Hemophagocytic Lymphohistiocytosis (UNC13D-fHLH). Identifiers: Orphanet 540, MedGen C1837174, MONDO:0012146, OMIM 608898.

Allele frequency attached by ClinVar (database versions not stated): gnomAD exomes below 0.00001; TOPMed 0.00001.
gnomAD v4.1: 1 of 1,614,052 alleles (0.000062%); highest among the groups gnomAD compares: South Asian, 0.0011%; no homozygotes.

Submission:

Labcorp Genetics (formerly Invitae), Labcorp
Classification: Uncertain significance for Familial hemophagocytic lymphohistiocytosis 3. Last evaluated: 2022-06-24. Review status: criteria provided, single submitter. Criteria: Invitae Variant Classification Sherloc (09022015). Collection method: clinical testing. Allele origin: germline.
Comment: This sequence change replaces valine, which is neutral and non-polar, with methionine, which is neutral and non-polar, at codon 246 of the UNC13D protein (p.Val246Met). This variant is not present in population databases (gnomAD no frequency). This variant has not been reported in the literature in individuals affected with UNC13D-related conditions. Algorithms developed to predict the effect of missense changes on protein structure and function are either unavailable or do not agree on the potential impact of this missense change (SIFT: "Not Available"; PolyPhen-2: "Possibly Damaging"; Align-GVGD: "Not Available"). In summary, the available evidence is currently insufficient to determine the role of this variant in disease. Therefore, it has been classified as a Variant of Uncertain Significance.

NM_199242.3(UNC13D):c.736G>A (p.Val246Met)

Gene: UNC13D (unc-13 homolog D; minus strand). Cytogenetic location: 17q25.1.
Variant type: single nucleotide variant.
Coding change: c.736G>A on transcript NM_199242.3 (MANE Select); coding-DNA position 736, G replaced by A.
Protein change: p.Val246Met; replaces valine 246 with methionine.
Molecular consequence: missense variant.
Genome position (GRCh38, 1-based): chr17:75,840,524, C>T on the plus strand (G>A on the coding strand, the complement: UNC13D is on the minus strand). VCF-style: chr17-75840524-C-T. GRCh37 (hg19) VCF-style: chr17-73836605-C-T.
Other names: short protein forms V246M.
Identifiers: ClinVar variation 1954364 (VCV001954364.2), dbSNP rs1006825019, ClinGen allele CA294089468.
Genomic context (GRCh38, chr17:75,840,524, plus strand): 5'-TCCCTCTGCCTCGCTCCTGGGCCCCTTTCCTCATCCTCCTCACCTGCAGCCTCAGAACCA[C>T]GTTCCCCAGAAAGTCGTCCTGGCCTTTGTCCTTCCGGGCCTCTTTAAAGATCCTGCGTCA-3'
Protein context (NP_954712.1, residues 236-256): DKGQDDFLGN[Val246Met]VLRLQDLRCR